The following is an entry in ClinVar:

ClinVar aggregate classification (germline): Uncertain significance (1 of 4 stars; one submission).

Allele frequency attached by ClinVar (database versions not stated): gnomAD exomes below 0.00001.

Submission:

Labcorp Genetics (formerly Invitae), Labcorp
Classification: Uncertain significance. Last evaluated: 2022-01-17. Review status: criteria provided, single submitter. Criteria: Invitae Variant Classification Sherloc (09022015). Collection method: clinical testing. Allele origin: germline.
Comment: This variant is present in population databases (no rsID available, gnomAD 0.003%). This sequence change replaces glutamic acid, which is acidic and polar, with glycine, which is neutral and non-polar, at codon 85 of the ASCC1 protein (p.Glu85Gly). This variant has not been reported in the literature in individuals affected with ASCC1-related conditions. Algorithms developed to predict the effect of missense changes on protein structure and function (SIFT, PolyPhen-2, Align-GVGD) all suggest that this variant is likely to be disruptive. In summary, the available evidence is currently insufficient to determine the role of this variant in disease. Therefore, it has been classified as a Variant of Uncertain Significance.

NM_001198800.3(ASCC1):c.254A>G (p.Glu85Gly)

Gene: ASCC1 (activating signal cointegrator 1 complex subunit 1; minus strand). Cytogenetic location: 10q22.1.
Variant type: single nucleotide variant.
Coding change: c.254A>G on transcript NM_001198800.3 (MANE Select); coding-DNA position 254, A replaced by G.
Protein change: p.Glu85Gly; replaces glutamic acid 85 with glycine.
Molecular consequence: missense variant. On other transcripts: non-coding transcript variant (1).
Genome position (GRCh38, 1-based): chr10:72,203,483, T>C on the plus strand (A>G on the coding strand, the complement: ASCC1 is on the minus strand). VCF-style: chr10-72203483-T-C. GRCh37 (hg19) VCF-style: chr10-73963241-T-C.
Other names: c.254A>G, p.Glu85Gly (NM_001198798.2, NM_001369087.1, NM_001369088.1 and 18 more transcripts); c.338A>G, p.Glu113Gly (NM_001198799.3); c.320A>G, p.Glu107Gly (NM_001369085.1, NM_001369086.1, NM_001369099.1); c.137A>G, p.Glu46Gly (NM_001369101.1, NM_001369102.1, NM_001369105.1 and 2 more transcripts); short protein forms E113G, E107G, E46G, E85G.
Identifiers: ClinVar variation 1908174 (VCV001908174.5), dbSNP rs1234456249, ClinGen allele CA377145258.